The following is an entry in ClinVar:

ClinVar aggregate classification (germline): Benign/Likely benign. Review status: criteria provided, multiple submitters, no conflicts (2 of 4 stars). 3 submissions from 3 submitters: Benign (1); Likely benign (2). Last evaluated 2026-01-12.

Conditions:
Early-infantile DEE. Also called: Ohtahara syndrome; Early infantile epileptic encephalopathy; Early infantile epileptic encephalopathy with suppression bursts. Identifiers: Orphanet 1934, MedGen C0393706, MONDO:0800491.

Allele frequency attached by ClinVar (database versions not stated): gnomAD exomes 0.00004 and 0.00007; TOPMed 0.00004; ExAC 0.00005; gnomAD 0.00007.
gnomAD v4.1: 59 of 1,578,502 alleles (0.0037%); highest among the groups gnomAD compares: Middle Eastern, 0.017%; no homozygotes.

Submissions (3):

Labcorp Genetics (formerly Invitae), Labcorp
Classification: Likely benign for Early-infantile DEE. Last evaluated: 2026-01-12. Review status: criteria provided, single submitter. Criteria: Invitae Variant Classification Sherloc (09022015). Collection method: clinical testing. Allele origin: germline.

Blueprint Genetics
Classification: Likely benign. Last evaluated: 2024-09-16. Review status: criteria provided, single submitter. Criteria: ACMG Guidelines, 2015. Collection method: clinical testing. Allele origin: germline.

GeneDx
Classification: Benign. Last evaluated: 2015-09-17. Review status: criteria provided, single submitter. Criteria: GeneDx Variant Classification (06012015). Collection method: clinical testing. Allele origin: germline. Affected: yes.
Comment: This variant is considered likely benign or benign based on one or more of the following criteria: it is a conservative change, it occurs at a poorly conserved position in the protein, it is predicted to be benign by multiple in silico algorithms, and/or has population frequency not consistent with disease.

NM_001330260.2(SCN8A):c.3942+7T>C

Gene: SCN8A (sodium voltage-gated channel alpha subunit 8; plus strand). Cytogenetic location: 12q13.13.
Variant type: single nucleotide variant.
Coding change: c.3942+7T>C on transcript NM_001330260.2 (MANE Select); 7 bases into the intron after coding-DNA position 3942, T replaced by C.
Molecular consequence: intron variant.
Genome position (GRCh38, 1-based): chr12:51,780,778, T>C. VCF-style: chr12-51780778-T-C. GRCh37 (hg19) VCF-style: chr12-52174562-T-C.
Other names: c.3942+7T>C (NM_014191.4); c.3820-5764T>C (NM_001177984.3, NM_001369788.1).
Identifiers: ClinVar variation 309363 (VCV000309363.11), dbSNP rs757990460, ClinGen allele CA6571723.